The following is an entry in ClinVar:

ClinVar aggregate classification (germline): Uncertain significance (1 of 4 stars; one submission).

Submission:

GeneDx
Classification: Uncertain significance. Last evaluated: 2022-04-11. Review status: criteria provided, single submitter. Criteria: GeneDx Variant Classification Process June 2021. Collection method: clinical testing. Allele origin: germline. Affected: yes.
Comment: Has not been previously published as pathogenic or benign to our knowledge; Not observed at significant frequency in large population cohorts (gnomAD); Not located within exons 24-33, where the majority of pathogenic variants reported to date occur (Callewaert et al., 2008, Frederic et al., 2009); In silico analysis supports that this missense variant has a deleterious effect on protein structure/function; This variant is associated with the following publications: (PMID: 19006240, 18767143)

NM_001999.4(FBN2):c.5032C>G (p.Pro1678Ala)

Gene: FBN2 (fibrillin 2; minus strand). Cytogenetic location: 5q23.3.
Variant type: single nucleotide variant.
Coding change: c.5032C>G on transcript NM_001999.4 (MANE Select); coding-DNA position 5032, C replaced by G.
Protein change: p.Pro1678Ala; replaces proline 1678 with alanine.
Molecular consequence: missense variant.
Genome position (GRCh38, 1-based): chr5:128,311,342, G>C on the plus strand (C>G on the coding strand, the complement: FBN2 is on the minus strand). VCF-style: chr5-128311342-G-C. GRCh37 (hg19) VCF-style: chr5-127647034-G-C.
Other names: short protein forms P1678A.
Identifiers: ClinVar variation 1710872 (VCV001710872.2), dbSNP rs2479740272, ClinGen allele CA360746025.